The following is an entry in ClinVar:

ClinVar aggregate classification (germline): Benign. Review status: criteria provided, multiple submitters, no conflicts (2 of 4 stars). 3 submissions from 3 submitters: Benign (2). 1 of the submissions does not count toward it. Last evaluated 2025-12-15.

Conditions:
PDE3A-related disorder. Also called: PDE3A-related condition.

Allele frequency attached by ClinVar (database versions not stated): gnomAD exomes 0.00080 and 0.00203; TOPMed 0.00862; ExAC 0.00245; 1000 Genomes Project 30x 0.00593; 1000 Genomes Project 0.00599; gnomAD 0.00712 and 0.00774; ESP Exome Variant Server 0.00761.
gnomAD v4.1: 2,306 of 1,613,436 alleles (0.14%); highest among the groups gnomAD compares: African/African-American, 2.6%; 24 homozygotes.

Submissions (3):

Labcorp Genetics (formerly Invitae), Labcorp
Classification: Benign. Last evaluated: 2025-12-15. Review status: criteria provided, single submitter. Criteria: Invitae Variant Classification Sherloc (09022015). Collection method: clinical testing. Allele origin: germline.

Breakthrough Genomics
Classification: Benign. Review status: criteria provided, single submitter. Criteria: ACMG Guidelines, 2015. Collection method: not provided. Allele origin: germline. Inheritance: Autosomal dominant inheritance. Affected: yes.

PreventionGenetics, part of Exact Sciences
Classification: Benign for PDE3A-related condition. Last evaluated: 2023-12-06. Review status: no assertion criteria provided. Collection method: clinical testing. Allele origin: germline. Not counted in ClinVar's aggregate classification.
Comment: This variant is classified as benign based on ACMG/AMP sequence variant interpretation guidelines (Richards et al. 2015 PMID: 25741868, with internal and published modifications).

NM_000921.5(PDE3A):c.660G>T (p.Ala220=)

Genes: PDE3A (phosphodiesterase 3A; plus strand), PDE3A-AS1 (PDE3A antisense RNA 1; minus strand). Cytogenetic location: 12p12.2.
Variant type: single nucleotide variant.
Coding change: c.660G>T on transcript NM_000921.5 (MANE Select); coding-DNA position 660, G replaced by T.
Protein change: p.Ala220=; no amino-acid change (alanine 220 retained).
Molecular consequence: synonymous variant. On other transcripts: 5 prime UTR variant (1).
Genome position (GRCh38, 1-based): chr12:20,369,944, G>T. VCF-style: chr12-20369944-G-T. GRCh37 (hg19) VCF-style: chr12-20522878-G-T.
Other names: c.660G>T, p.Ala220= (NM_001378407.1); c.-369G>T (NM_001378408.1).
Identifiers: ClinVar variation 789807 (VCV000789807.13), dbSNP rs61729386, ClinGen allele CA6473494.
Genomic context (GRCh38, chr12:20,369,944, plus strand): 5'-CGCGACATGGCTGGTGCTGAGGCTGAGGCTGGGCGTCCTCATGATCGCCTTGACTAGCGC[G>T]GTCAGGACCGTGTCCCTCATTTCCTTAGAGAGGTTCAAGGTCGCCTGGAGACCTTACCTG-3'
Protein context (NP_000912.3, residues 210-230): LGVLMIALTS[Ala220=]VRTVSLISLE